The following is an entry in ClinVar:

NM_017763.6(RNF43):c.261G>C (p.Pro87=)

Gene: RNF43 (ring finger protein 43; minus strand). Cytogenetic location: 17q22.
Variant type: single nucleotide variant.
Coding change: c.261G>C on transcript NM_017763.6 (MANE Select); coding-DNA position 261, G replaced by C.
Protein change: p.Pro87=; no amino-acid change (proline 87 retained).
Molecular consequence: synonymous variant.
Genome position (GRCh38, 1-based): chr17:58,371,025, C>G on the plus strand (G>C on the coding strand, the complement: RNF43 is on the minus strand). VCF-style: chr17-58371025-C-G. GRCh37 (hg19) VCF-style: chr17-56448386-C-G.
Other names: c.261G>C, p.Pro87= (NM_001305544.3); c.-121G>C (NM_001305545.2).
Identifiers: ClinVar variation 3946812 (VCV003946812.2).

ClinVar aggregate classification (germline): Benign/Likely benign. Review status: criteria provided, multiple submitters, no conflicts (2 of 4 stars). 2 submissions from 2 submitters: Benign (1); Likely benign (1). Last evaluated 2026-06-29.

Conditions:
Sessile serrated polyposis cancer syndrome (SSPCS). Identifiers: Orphanet 157798, MedGen C4310714, MONDO:0014919, OMIM 617108.

gnomAD v4.1: 5 of 1,595,922 alleles (0.00031%); highest among the groups gnomAD compares: African/African-American, 0.0067%; no homozygotes.

Submissions (2):

Myriad Genetics, Inc.
Classification: Benign for Sessile serrated polyposis cancer syndrome. Last evaluated: 2026-06-29. Review status: criteria provided, single submitter. Criteria: Myriad Autosomal Dominant, Autosomal Recessive and X-Linked Classification Criteria (2023). Collection method: clinical testing. Allele origin: unknown.
Comment: This variant is considered benign. This variant is a silent/synonymous amino acid change and it is not expected to impact splicing.

Ambry Genetics
Classification: Likely benign. Last evaluated: 2025-05-05. Review status: criteria provided, single submitter. Criteria: Ambry Variant Classification Scheme 2023. Collection method: clinical testing. Allele origin: germline.